The following is an entry in ClinVar:

NM_021044.4(DHH):c.247C>T (p.Pro83Ser)

Genes: DHH (desert hedgehog signaling molecule; minus strand), DHH-AS1 (DHH antisense RNA 1; plus strand). Cytogenetic location: 12q13.12.
Variant type: single nucleotide variant.
Coding change: c.247C>T on transcript NM_021044.4 (MANE Select); coding-DNA position 247, C replaced by T.
Protein change: p.Pro83Ser; replaces proline 83 with serine.
Molecular consequence: missense variant.
Genome position (GRCh38, 1-based): chr12:49,094,266, G>A on the plus strand (C>T on the coding strand, the complement: DHH is on the minus strand). VCF-style: chr12-49094266-G-A. GRCh37 (hg19) VCF-style: chr12-49488049-G-A.
Other names: p.Pro83Ser; short protein forms P83S.
Identifiers: ClinVar variation 2683198 (VCV002683198.1), dbSNP rs375841437, ClinGen allele CA6549222.

ClinVar aggregate classification (germline): Uncertain significance (1 of 4 stars; one submission).

Allele frequency attached by ClinVar (database versions not stated): ExAC 0.00001; gnomAD 0.00005; TOPMed 0.00006; ESP Exome Variant Server 0.00008.

Submission:

Mayo Clinic Laboratories, Mayo Clinic
Classification: Uncertain significance. Last evaluated: 2023-06-06. Review status: criteria provided, single submitter. Criteria: ACMG Guidelines, 2015. Collection method: clinical testing. Allele origin: germline. Observed: 1 variant allele.
Comment: PM2